The following is an entry in ClinVar:

ClinVar aggregate classification (germline): Uncertain significance. Review status: criteria provided, multiple submitters, no conflicts (2 of 4 stars). 3 submissions from 3 submitters: Uncertain significance (3). Last evaluated 2023-07-12.

Conditions:
Familial thoracic aortic aneurysm and aortic dissection (TAAD). Also called: Thoracic aortic aneurysms and dissections. Identifiers: Orphanet 91387, MedGen C4707243, MONDO:0019625.

gnomAD v4.1: 7 of 1,614,068 alleles (0.00043%); highest among the groups gnomAD compares: Admixed American, 0.0017%; no homozygotes.

Submissions (3):

Ambry Genetics
Classification: Uncertain significance for Familial thoracic aortic aneurysm and aortic dissection. Last evaluated: 2023-07-12. Review status: criteria provided, single submitter. Criteria: Ambry Variant Classification Scheme 2023. Collection method: clinical testing. Allele origin: germline.

All of Us Research Program, National Institutes of Health
Classification: Uncertain significance for Familial thoracic aortic aneurysm and aortic dissection. Last evaluated: 2023-05-31. Review status: criteria provided, single submitter. Criteria: ACMG Guidelines, 2015. Collection method: clinical testing. Allele origin: germline. Inheritance: Autosomal dominant inheritance. Observed: 1 variant allele, 1 heterozygote.
Comment: This study involves interpretation of variants in research participants for the purpose of population health screening. Participant phenotype was not available at the time of variant classification. Additional details can be found in publication PMID: 35346344, PMCID: PMC8962531

GeneDx
Classification: Uncertain significance. Last evaluated: 2016-08-08. Review status: criteria provided, single submitter. Criteria: GeneDx Variant Classification (06012015). Collection method: clinical testing. Allele origin: germline. Affected: yes.
Comment: The T1911K variant has not been published as a mutation, nor has it been reported as a benign polymorphism to our knowledge. The T1911K variant was not observed in approximately 6500 individuals of European and African American ancestry in the NHLBI Exome Sequencing Project, indicating it is not a common benign variant in these populations. The T1911K variant is a semi-conservative amino acid substitution, which may impact secondary protein structure as these residues differ in some properties. This substitution occurs at a position that is conserved across species. In silico analysis predicts this variant is probably damaging to the protein structure/function. Mutations in nearby residues have not been reported in association with TAAD or related disorder, indicating this region of the protein may tolerate change. Therefore, based on the currently available information, it is unclear whether this variant is a pathogenic mutation or a rare benign variant.

NM_002474.3(MYH11):c.5732C>A (p.Thr1911Lys)

Genes: MYH11 (myosin heavy chain 11; minus strand), NDE1 (nudE neurodevelopment protein 1; plus strand). Cytogenetic location: 16p13.11.
Variant type: single nucleotide variant.
Coding change: c.5732C>A on transcript NM_002474.3 (MANE Select); coding-DNA position 5732, C replaced by A.
Protein change: p.Thr1911Lys; replaces threonine 1911 with lysine.
Molecular consequence: missense variant. On other transcripts: intron variant (2).
Genome position (GRCh38, 1-based): chr16:15,714,963, G>T on the plus strand (C>A on the coding strand, the complement: MYH11 is on the minus strand). VCF-style: chr16-15714963-G-T. GRCh37 (hg19) VCF-style: chr16-15808820-G-T.
Other names: p.T1911K:ACG>AAG; c.5753C>A, p.Thr1918Lys (NM_001040113.2, NM_001040114.2); c.5732C>A, p.Thr1911Lys (NM_022844.3); c.948-9228G>T (NM_001143979.2, NM_017668.3); short protein forms T1911K, T1918K.
Identifiers: ClinVar variation 201091 (VCV000201091.5), dbSNP rs748516947, ClinGen allele CA306616.